The following is an entry in ClinVar:

ClinVar aggregate classification (germline): Uncertain significance. Review status: criteria provided, multiple submitters, no conflicts (2 of 4 stars). 3 submissions from 3 submitters: Uncertain significance (3). Last evaluated 2024-11-14.

Conditions:
Duchenne muscular dystrophy (DMD). Also called: MUSCULAR DYSTROPHY, PSEUDOHYPERTROPHIC PROGRESSIVE, DUCHENNE TYPE; Duchenne Muscular Dystrophy (DMD). Identifiers: Orphanet 98896, MedGen C0013264, MONDO:0010679, OMIM 310200.

Allele frequency attached by ClinVar (database versions not stated): gnomAD exomes below 0.00001; TOPMed 0.00001.
gnomAD v4.1: 4 of 1,211,423 alleles (0.00033%); highest among the groups gnomAD compares: South Asian, 0.0018%; no homozygotes.

Submissions (3):

Mayo Clinic Laboratories, Mayo Clinic
Classification: Uncertain significance. Last evaluated: 2024-11-14. Review status: criteria provided, single submitter. Criteria: ACMG Guidelines, 2015. Collection method: clinical testing. Allele origin: germline. Observed: 1 variant allele.
Comment: BP4, PM2_supporting

Revvity Omics, Revvity
Classification: Uncertain significance. Last evaluated: 2024-10-18. Review status: criteria provided, single submitter. Criteria: ACMG Guidelines, 2015. Collection method: clinical testing. Allele origin: germline.

Labcorp Genetics (formerly Invitae), Labcorp
Classification: Uncertain significance for Duchenne muscular dystrophy. Last evaluated: 2022-07-26. Review status: criteria provided, single submitter. Criteria: Invitae Variant Classification Sherloc (09022015). Collection method: clinical testing. Allele origin: germline.
Comment: This sequence change replaces arginine, which is basic and polar, with glutamine, which is neutral and polar, at codon 2649 of the DMD protein (p.Arg2649Gln). This variant is not present in population databases (gnomAD no frequency). This variant has not been reported in the literature in individuals affected with DMD-related conditions. Algorithms developed to predict the effect of missense changes on protein structure and function output the following: SIFT: "Tolerated"; PolyPhen-2: "Benign"; Align-GVGD: "Class C0". The glutamine amino acid residue is found in multiple mammalian species, which suggests that this missense change does not adversely affect protein function. Algorithms developed to predict the effect of sequence changes on RNA splicing suggest that this variant may create or strengthen a splice site. In summary, the available evidence is currently insufficient to determine the role of this variant in disease. Therefore, it has been classified as a Variant of Uncertain Significance.

NM_004006.3(DMD):c.7946G>A (p.Arg2649Gln)

Gene: DMD (dystrophin; minus strand). Cytogenetic location: Xp21.1.
Variant type: single nucleotide variant.
Coding change: c.7946G>A on transcript NM_004006.3 (MANE Select); coding-DNA position 7946, G replaced by A.
Protein change: p.Arg2649Gln; replaces arginine 2649 with glutamine.
Molecular consequence: missense variant.
Genome position (GRCh38, 1-based): chrX:31,658,071, C>T on the plus strand (G>A on the coding strand, the complement: DMD is on the minus strand). VCF-style: chrX-31658071-C-T. GRCh37 (hg19) VCF-style: chrX-31676188-C-T.
Other names: p.Arg2649Gln; c.7922G>A, p.Arg2641Gln (NM_000109.4); c.7934G>A, p.Arg2645Gln (NM_004009.3); c.7577G>A, p.Arg2526Gln (NM_004010.3); c.3923G>A, p.Arg1308Gln (NM_004011.4); c.3914G>A, p.Arg1305Gln (NM_004012.4); c.566G>A, p.Arg189Gln (NM_004013.3, NM_004020.4, NM_004021.3 and 2 more transcripts); short protein forms R1308Q, R2641Q, R1305Q, R189Q, R2645Q, R2526Q, R2649Q.
Identifiers: ClinVar variation 2195804 (VCV002195804.3), dbSNP rs2080893099, ClinGen allele CA412655896.